The following is an entry in ClinVar:

NM_001165963.4(SCN1A):c.1499G>A (p.Arg500Gln)

Gene: SCN1A (sodium voltage-gated channel alpha subunit 1; minus strand). Cytogenetic location: 2q24.3.
Variant type: single nucleotide variant.
Coding change: c.1499G>A on transcript NM_001165963.4 (MANE Select); coding-DNA position 1499, G replaced by A.
Protein change: p.Arg500Gln; replaces arginine 500 with glutamine.
Molecular consequence: missense variant. On other transcripts: 5 prime UTR variant (1), non-coding transcript variant (1).
Genome position (GRCh38, 1-based): chr2:166,045,206, C>T on the plus strand (G>A on the coding strand, the complement: SCN1A is on the minus strand). VCF-style: chr2-166045206-C-T. GRCh37 (hg19) VCF-style: chr2-166901716-C-T.
Other names: p.R500Q:CGG>CAG; c.1499G>A, p.Arg500Gln (NM_001165964.3, NM_001202435.3, NM_001353948.2 and 7 more transcripts); c.1496G>A, p.Arg499Gln (NM_001353954.2, NM_001353955.2, NM_001353960.2); c.-927G>A (NM_001353961.2); short protein forms R500Q, R499Q.
Identifiers: ClinVar variation 206768 (VCV000206768.19), dbSNP rs200176684, ClinGen allele CA317237.

ClinVar aggregate classification (germline): Conflicting classifications of pathogenicity. Review status: criteria provided, conflicting classifications (1 of 4 stars). 3 submissions from 3 submitters: Uncertain significance (1); Likely benign (2). Last evaluated 2025-02-24.

Conditions:
Early-infantile DEE. Also called: Early infantile epileptic encephalopathy; Ohtahara syndrome; Early infantile epileptic encephalopathy with suppression bursts. Identifiers: Orphanet 1934, MedGen C0393706, MONDO:0800491.

Allele frequency attached by ClinVar (database versions not stated): gnomAD exomes 0.00003 and 0.00013; gnomAD 0.00005 and 0.00007; TOPMed 0.00010; ExAC 0.00015; 1000 Genomes Project 0.00060; 1000 Genomes Project 30x 0.00078.
gnomAD v4.1: 56 of 1,614,088 alleles (0.0035%); highest among the groups gnomAD compares: East Asian, 0.085%; no homozygotes.

Submissions (13):

Labcorp Genetics (formerly Invitae), Labcorp
Classification: Likely benign for Early-infantile DEE. Last evaluated: 2025-02-24. Review status: criteria provided, single submitter. Criteria: Invitae Variant Classification Sherloc (09022015). Collection method: clinical testing. Allele origin: germline.

GeneDx
Classification: Likely benign. Last evaluated: 2021-02-01. Review status: criteria provided, single submitter. Criteria: GeneDx Variant Classification Process June 2021. Collection method: clinical testing. Allele origin: germline. Affected: yes.
Comment: This variant is associated with the following publications: (PMID: 29314583)

Eurofins Ntd Llc (ga)
Classification: Uncertain significance. Last evaluated: 2018-08-21. Review status: criteria provided, single submitter. Criteria: EGL ClinVar v180209 classification definitions. Collection method: clinical testing. Allele origin: germline. Observed: 1 variant allele, 1 heterozygote.

Channelopathy-Associated Epilepsy Research Center
No classification provided (evidence only). Review status: no classification provided. Collection method: in vitro. Allele origin: not applicable. Functional consequence: Normal peak current. Not counted in ClinVar's aggregate classification.

Channelopathy-Associated Epilepsy Research Center
No classification provided (evidence only). Review status: no classification provided. Collection method: in vitro. Allele origin: not applicable. Functional consequence: Normal voltage dependence of activation. Not counted in ClinVar's aggregate classification.

Channelopathy-Associated Epilepsy Research Center
No classification provided (evidence only). Review status: no classification provided. Collection method: in vitro. Allele origin: not applicable. Functional consequence: Normal slope of activation. Not counted in ClinVar's aggregate classification.

Channelopathy-Associated Epilepsy Research Center
No classification provided (evidence only). Review status: no classification provided. Collection method: in vitro. Allele origin: not applicable. Functional consequence: Depolarizing shift of voltage dependence of fast inactivation. Not counted in ClinVar's aggregate classification.

Channelopathy-Associated Epilepsy Research Center
No classification provided (evidence only). Review status: no classification provided. Collection method: in vitro. Allele origin: not applicable. Functional consequence: Normal slope of fast inactivation. Not counted in ClinVar's aggregate classification.

Channelopathy-Associated Epilepsy Research Center
No classification provided (evidence only). Review status: no classification provided. Collection method: in vitro. Allele origin: not applicable. Functional consequence: Normal rate of recovery from fast inactivation. Not counted in ClinVar's aggregate classification.

Channelopathy-Associated Epilepsy Research Center
No classification provided (evidence only). Review status: no classification provided. Collection method: in vitro. Allele origin: not applicable. Functional consequence: Normal current amplitude in use dependence. Not counted in ClinVar's aggregate classification.

Channelopathy-Associated Epilepsy Research Center
No classification provided (evidence only). Review status: no classification provided. Collection method: in vitro. Allele origin: not applicable. Functional consequence: Slowing of fast inactivation. Not counted in ClinVar's aggregate classification.

Channelopathy-Associated Epilepsy Research Center
No classification provided (evidence only). Review status: no classification provided. Collection method: in vitro. Allele origin: not applicable. Functional consequence: Normal ramp current. Not counted in ClinVar's aggregate classification.

Channelopathy-Associated Epilepsy Research Center
No classification provided (evidence only). Review status: no classification provided. Collection method: in vitro. Allele origin: not applicable. Functional consequence: Normal persistent current. Not counted in ClinVar's aggregate classification.